The following is an entry in ClinVar:

NM_001127208.3(TET2):c.1301A>C (p.His434Pro)

Genes: TET2 (tet methylcytosine dioxygenase 2; plus strand), TET2-AS1 (TET2 antisense RNA 1; minus strand). Cytogenetic location: 4q24.
Variant type: single nucleotide variant.
Coding change: c.1301A>C on transcript NM_001127208.3 (MANE Select); coding-DNA position 1301, A replaced by C.
Protein change: p.His434Pro; replaces histidine 434 with proline.
Molecular consequence: missense variant.
Genome position (GRCh38, 1-based): chr4:105,235,243, A>C. VCF-style: chr4-105235243-A-C. GRCh37 (hg19) VCF-style: chr4-106156400-A-C.
Other names: c.1301A>C, p.His434Pro (NM_017628.4); short protein forms H434P.
Identifiers: ClinVar variation 3805910 (VCV003805910.1).
Genomic context (GRCh38, chr4:105,235,243, plus strand): 5'-AGGTTCCTCAGCTTCCTTCAGAAGGAAAAAGCACTCTGAATGGTGGAGTTTTAGAAGAAC[A>C]CCACCACTACCCCAACCAAAGTAACACAACACTTTTAAGGGAAGTGAAAATAGAGGGTAA-3'
Protein context (NP_001120680.1, residues 424-444): STLNGGVLEE[His434Pro]HHYPNQSNTT

ClinVar aggregate classification (germline): Uncertain significance (1 of 4 stars; one submission).

Submission:

Ambry Genetics
Classification: Uncertain significance. Last evaluated: 2024-12-29. Review status: criteria provided, single submitter. Criteria: Ambry Variant Classification Scheme 2023. Collection method: clinical testing. Allele origin: germline.
Comment: The p.H434P variant (also known as c.1301A>C), located in coding exon 1 of the TET2 gene, results from an A to C substitution at nucleotide position 1301. The histidine at codon 434 is replaced by proline, an amino acid with similar properties. This amino acid position is conserved. In addition, this alteration is predicted to be tolerated by in silico analysis. Based on the available evidence, the clinical significance of this variant remains unclear.